The following is an entry in ClinVar:

NM_015001.3(SPEN):c.2332G>T (p.Asp778Tyr)

Gene: SPEN (spen family transcriptional repressor; plus strand). Cytogenetic location: 1p36.13.
Variant type: single nucleotide variant.
Coding change: c.2332G>T on transcript NM_015001.3 (MANE Select); coding-DNA position 2332, G replaced by T.
Protein change: p.Asp778Tyr; replaces aspartic acid 778 with tyrosine.
Molecular consequence: missense variant.
Genome position (GRCh38, 1-based): chr1:15,928,572, G>T. VCF-style: chr1-15928572-G-T. GRCh37 (hg19) VCF-style: chr1-16255067-G-T.
Other names: short protein forms D778Y.
Identifiers: ClinVar variation 4881826 (VCV004881826.2).

ClinVar aggregate classification (germline): Uncertain significance (1 of 4 stars; one submission).

Submission:

Dasa
Classification: Uncertain significance. Last evaluated: 2024-09-17. Review status: criteria provided, single submitter. Criteria: DASA Assertion Criteria. Collection method: clinical testing. Allele origin: germline.
Comment: NM_015001.3(SPEN):c.2332G>T (p.Asp778Tyr) is a missense variant that results in the substitution of aspartic acid with tyrosine. This variant is absent from population databases. Computational prediction algorithms are consistent with a benign effect. The currently available literature and clinical evidence are not sufficient to establish a definitive association between this variant and the reported condition. Therefore, this variant is classified as a variant of uncertain significance.